The following is an entry in ClinVar:

ClinVar aggregate classification (germline): Uncertain significance (1 of 4 stars; one submission).

Conditions:
Neurofibromatosis, type 1 (NF1). Also called: NEUROFIBROMATOSIS, TYPE I, SOMATIC; Neurofibromatosis, type I; VON RECKLINGHAUSEN DISEASE; Peripheral type neurofibromatosis. Identifiers: Orphanet 636, MedGen C0027831, MONDO:0018975, OMIM 162200. Disease mechanism: loss of function.

Submission:

Labcorp Genetics (formerly Invitae), Labcorp
Classification: Uncertain significance for Neurofibromatosis, type 1. Last evaluated: 2025-08-28. Review status: criteria provided, single submitter. Criteria: Invitae Variant Classification Sherloc (09022015). Collection method: clinical testing. Allele origin: germline.
Comment: This sequence change replaces lysine, which is basic and polar, with threonine, which is neutral and polar, at codon 2286 of the NF1 protein (p.Lys2286Thr). This variant is not present in population databases (gnomAD no frequency). This variant has not been reported in the literature in individuals affected with NF1-related conditions. An algorithm developed to predict the effect of missense changes on protein structure and function (PolyPhen-2) suggests that this variant is likely to be tolerated. Algorithms developed to predict the effect of sequence changes on RNA splicing suggest that this variant may disrupt the consensus splice site. This variant disrupts the p.Lys2286 amino acid residue in NF1. Other variant(s) that disrupt this residue have been determined to be pathogenic (internal data). This suggests that this residue is clinically significant, and that variants that disrupt this residue are likely to be disease-causing. In summary, the available evidence is currently insufficient to determine the role of this variant in disease. Therefore, it has been classified as a Variant of Uncertain Significance.

NM_001042492.3(NF1):c.6920A>C (p.Lys2307Thr)

Gene: NF1 (neurofibromin 1; plus strand). Cytogenetic location: 17q11.2.
Variant type: single nucleotide variant.
Coding change: c.6920A>C on transcript NM_001042492.3 (MANE Select); coding-DNA position 6920, A replaced by C.
Protein change: p.Lys2307Thr; replaces lysine 2307 with threonine.
Molecular consequence: missense variant.
Genome position (GRCh38, 1-based): chr17:31,338,804, A>C. VCF-style: chr17-31338804-A-C. GRCh37 (hg19) VCF-style: chr17-29665822-A-C.
Other names: c.6857A>C, p.Lys2286Thr (NM_000267.4); short protein forms K2307T, K2286T.
Identifiers: ClinVar variation 4741002 (VCV004741002.1).